The following is an entry in ClinVar:

NM_016222.4(DDX41):c.680C>T (p.Thr227Met)

Gene: DDX41 (DEAD-box helicase 41; minus strand). Cytogenetic location: 5q35.3.
Variant type: single nucleotide variant.
Coding change: c.680C>T on transcript NM_016222.4 (MANE Select); coding-DNA position 680, C replaced by T.
Protein change: p.Thr227Met; replaces threonine 227 with methionine.
Molecular consequence: missense variant.
Genome position (GRCh38, 1-based): chr5:177,515,034, G>A on the plus strand (C>T on the coding strand, the complement: DDX41 is on the minus strand). VCF-style: chr5-177515034-G-A. GRCh37 (hg19) VCF-style: chr5-176942035-G-A.
Other names: c.302C>T, p.Thr101Met (NM_001321732.2, NM_001321830.2); short protein forms T101M, T227M.
Identifiers: ClinVar variation 4710735 (VCV004710735.1).

ClinVar aggregate classification (germline): Uncertain significance (1 of 4 stars; one submission).

gnomAD v4.1: 1 of 1,613,444 alleles (0.000062%); highest among the groups gnomAD compares: Non-Finnish European, 0.000085%; no homozygotes.

Submission:

Labcorp Genetics (formerly Invitae), Labcorp
Classification: Uncertain significance. Last evaluated: 2025-12-16. Review status: criteria provided, single submitter. Criteria: Invitae Variant Classification Sherloc (09022015). Collection method: clinical testing. Allele origin: germline.
Comment: This sequence change replaces threonine, which is neutral and polar, with methionine, which is neutral and non-polar, at codon 227 of the DDX41 protein (p.Thr227Met). This variant is not present in population databases (gnomAD no frequency). This variant has not been reported in the literature in individuals affected with DDX41-related conditions. An algorithm developed to predict the effect of missense changes on protein structure and function (PolyPhen-2) suggests that this variant is likely to be tolerated. In summary, the available evidence is currently insufficient to determine the role of this variant in disease. Therefore, it has been classified as a Variant of Uncertain Significance.